The following is an entry in ClinVar:

ClinVar aggregate classification (germline): Uncertain significance (1 of 4 stars; one submission).

Conditions:
Jeune thoracic dystrophy. Also called: Short-rib thoracic dysplasia; Jeune syndrome; Infantile thoracic dystrophy; Thoracic pelvic phalangeal dystrophy; Jeune's syndrome; Chondroectodermal dysplasia-like syndrome. Identifiers: Orphanet 474, MedGen C0265275, MONDO:0018770.
Nephronophthisis. Also called: Juvenile Nephronophthisis. Identifiers: Orphanet 655, MedGen C0687120, MONDO:0019005, HP:0000090.

Allele frequency attached by ClinVar (database versions not stated): gnomAD exomes below 0.00001.
gnomAD v4.1: 2 of 1,614,102 alleles (0.00012%); highest among the groups gnomAD compares: Admixed American, 0.0033%; no homozygotes.

Submission:

Labcorp Genetics (formerly Invitae), Labcorp
Classification: Uncertain significance for Jeune thoracic dystrophy; Nephronophthisis. Last evaluated: 2022-07-27. Review status: criteria provided, single submitter. Criteria: Invitae Variant Classification Sherloc (09022015). Collection method: clinical testing. Allele origin: germline.
Comment: This sequence change replaces leucine, which is neutral and non-polar, with valine, which is neutral and non-polar, at codon 592 of the TTC21B protein (p.Leu592Val). This variant is not present in population databases (gnomAD no frequency). This variant has not been reported in the literature in individuals affected with TTC21B-related conditions. Algorithms developed to predict the effect of missense changes on protein structure and function are either unavailable or do not agree on the potential impact of this missense change (SIFT: "Tolerated"; PolyPhen-2: "Probably Damaging"; Align-GVGD: "Class C0"). In summary, the available evidence is currently insufficient to determine the role of this variant in disease. Therefore, it has been classified as a Variant of Uncertain Significance.

NM_024753.5(TTC21B):c.1774T>G (p.Leu592Val)

Gene: TTC21B (tetratricopeptide repeat domain 21B; minus strand). Cytogenetic location: 2q24.3.
Variant type: single nucleotide variant.
Coding change: c.1774T>G on transcript NM_024753.5 (MANE Select); coding-DNA position 1774, T replaced by G.
Protein change: p.Leu592Val; replaces leucine 592 with valine.
Molecular consequence: missense variant.
Genome position (GRCh38, 1-based): chr2:165,917,382, A>C on the plus strand (T>G on the coding strand, the complement: TTC21B is on the minus strand). VCF-style: chr2-165917382-A-C. GRCh37 (hg19) VCF-style: chr2-166773892-A-C.
Other names: short protein forms L592V.
Identifiers: ClinVar variation 1713914 (VCV001713914.5), dbSNP rs2468181037, ClinGen allele CA349060188.